The following is an entry in ClinVar:

ClinVar aggregate classification (germline): Benign. Review status: criteria provided, multiple submitters, no conflicts (2 of 4 stars). 3 submissions from 3 submitters: Benign (2). 1 of the submissions does not count toward it. Last evaluated 2026-01-26.

Conditions:
SAMD11-related disorder. Also called: SAMD11-related condition.

Allele frequency attached by ClinVar (database versions not stated): ExAC 0.00676; 1000 Genomes Project 0.01977; 1000 Genomes Project 30x 0.02124; gnomAD 0.02197 and 0.02210; ESP Exome Variant Server 0.02414; TOPMed 0.02500.
gnomAD v4.1: 6,444 of 1,609,282 alleles (0.4%); highest among the groups gnomAD compares: African/African-American, 7.7%; 219 homozygotes.

Submissions (3):

Labcorp Genetics (formerly Invitae), Labcorp
Classification: Benign. Last evaluated: 2026-01-26. Review status: criteria provided, single submitter. Criteria: Invitae Variant Classification Sherloc (09022015). Collection method: clinical testing. Allele origin: germline.

Breakthrough Genomics
Classification: Benign. Review status: criteria provided, single submitter. Criteria: ACMG Guidelines, 2015. Collection method: not provided. Allele origin: germline. Inheritance: Unknown mechanism. Affected: yes.

PreventionGenetics, part of Exact Sciences
Classification: Benign for SAMD11-related condition. Last evaluated: 2020-02-24. Review status: no assertion criteria provided. Collection method: clinical testing. Allele origin: germline. Not counted in ClinVar's aggregate classification.
Comment: This variant is classified as benign based on ACMG/AMP sequence variant interpretation guidelines (Richards et al. 2015 PMID: 25741868, with internal and published modifications).

NM_001385641.1(SAMD11):c.2483G>C (p.Gly828Ala)

Gene: SAMD11 (sterile alpha motif domain containing 11; plus strand). Cytogenetic location: 1p36.33.
Variant type: single nucleotide variant.
Coding change: c.2483G>C on transcript NM_001385641.1 (MANE Select); coding-DNA position 2483, G replaced by C.
Protein change: p.Gly828Ala; replaces glycine 828 with alanine.
Molecular consequence: missense variant.
Genome position (GRCh38, 1-based): chr1:944,101, G>C. VCF-style: chr1-944101-G-C. GRCh37 (hg19) VCF-style: chr1-879481-G-C.
Other names: c.2486G>C, p.Gly829Ala (NM_001385640.1); c.1994G>C, p.Gly665Ala (NM_152486.4); short protein forms G665A, G828A, G829A.
Identifiers: ClinVar variation 780745 (VCV000780745.13), dbSNP rs113383096, ClinGen allele CA503434.